The following is an entry in ClinVar:

ClinVar aggregate classification (germline): Uncertain significance (1 of 4 stars; one submission).

Submission:

Labcorp Genetics (formerly Invitae), Labcorp
Classification: Uncertain significance. Last evaluated: 2025-01-05. Review status: criteria provided, single submitter. Criteria: Invitae Variant Classification Sherloc (09022015). Collection method: clinical testing. Allele origin: germline.
Comment: This sequence change replaces proline, which is neutral and non-polar, with leucine, which is neutral and non-polar, at codon 189 of the FGF23 protein (p.Pro189Leu). This variant is not present in population databases (gnomAD no frequency). This variant has not been reported in the literature in individuals affected with FGF23-related conditions. Invitae Evidence Modeling of protein sequence and biophysical properties (such as structural, functional, and spatial information, amino acid conservation, physicochemical variation, residue mobility, and thermodynamic stability) has been performed for this missense variant. However, the output from this modeling did not meet the statistical confidence thresholds required to predict the impact of this variant on FGF23 protein function. In summary, the available evidence is currently insufficient to determine the role of this variant in disease. Therefore, it has been classified as a Variant of Uncertain Significance.

NM_020638.3(FGF23):c.566C>T (p.Pro189Leu)

Gene: FGF23 (fibroblast growth factor 23; minus strand). Cytogenetic location: 12p13.32.
Variant type: single nucleotide variant.
Coding change: c.566C>T on transcript NM_020638.3 (MANE Select); coding-DNA position 566, C replaced by T.
Protein change: p.Pro189Leu; replaces proline 189 with leucine.
Molecular consequence: missense variant.
Genome position (GRCh38, 1-based): chr12:4,370,533, G>A on the plus strand (C>T on the coding strand, the complement: FGF23 is on the minus strand). VCF-style: chr12-4370533-G-A. GRCh37 (hg19) VCF-style: chr12-4479699-G-A.
Other names: short protein forms P189L.
Identifiers: ClinVar variation 3644001 (VCV003644001.2).